The following is an entry in ClinVar:

NM_003392.7(WNT5A):c.939G>C (p.Glu313Asp)

Gene: WNT5A (Wnt family member 5A; minus strand). Cytogenetic location: 3p14.3.
Variant type: single nucleotide variant.
Coding change: c.939G>C on transcript NM_003392.7 (MANE Select); coding-DNA position 939, G replaced by C.
Protein change: p.Glu313Asp; replaces glutamic acid 313 with aspartic acid.
Molecular consequence: missense variant.
Genome position (GRCh38, 1-based): chr3:55,470,296, C>G on the plus strand (G>C on the coding strand, the complement: WNT5A is on the minus strand). VCF-style: chr3-55470296-C-G. GRCh37 (hg19) VCF-style: chr3-55504324-C-G.
Other names: c.894G>C, p.Glu298Asp (NM_001256105.1, NM_001377271.1, NM_001377272.1); short protein forms E313D, E298D.
Identifiers: ClinVar variation 4780442 (VCV004780442.1).

ClinVar aggregate classification (germline): Uncertain significance (1 of 4 stars; one submission).

gnomAD v4.1: 18 of 1,613,950 alleles (0.0011%); highest among the groups gnomAD compares: Non-Finnish European, 0.0015%; no homozygotes.

Submission:

Labcorp Genetics (formerly Invitae), Labcorp
Classification: Uncertain significance. Last evaluated: 2025-04-07. Review status: criteria provided, single submitter. Criteria: Invitae Variant Classification Sherloc (09022015). Collection method: clinical testing. Allele origin: germline.
Comment: This sequence change replaces glutamic acid, which is acidic and polar, with aspartic acid, which is acidic and polar, at codon 313 of the WNT5A protein (p.Glu313Asp). This variant is not present in population databases (gnomAD no frequency). This variant has not been reported in the literature in individuals affected with WNT5A-related conditions. Invitae Evidence Modeling of protein sequence and biophysical properties (such as structural, functional, and spatial information, amino acid conservation, physicochemical variation, residue mobility, and thermodynamic stability) indicates that this missense variant is not expected to disrupt WNT5A protein function with a negative predictive value of 80%. In summary, the available evidence is currently insufficient to determine the role of this variant in disease. Therefore, it has been classified as a Variant of Uncertain Significance.